The following is an entry in ClinVar:

NM_024407.5(NDUFS7):c.273G>C (p.Val91=)

Gene: NDUFS7 (NADH:ubiquinone oxidoreductase core subunit S7; plus strand). Cytogenetic location: 19p13.3.
Variant type: single nucleotide variant.
Coding change: c.273G>C on transcript NM_024407.5 (MANE Select); coding-DNA position 273, G replaced by C.
Protein change: p.Val91=; no amino-acid change (valine 91 retained).
Molecular consequence: synonymous variant.
Genome position (GRCh38, 1-based): chr19:1,390,915, G>C. VCF-style: chr19-1390915-G-C. GRCh37 (hg19) VCF-style: chr19-1390914-G-C.
Other names: c.273G>C, p.Val91= (NM_001363602.2).
Identifiers: ClinVar variation 5038895 (VCV005038895.1).

ClinVar aggregate classification (germline): Likely benign (1 of 4 stars; one submission).

Submission:

CeGaT Center for Human Genetics Tuebingen
Classification: Likely benign. Last evaluated: 2026-08-01. Review status: criteria provided, single submitter. Criteria: CeGaT Center For Human Genetics Tuebingen Variant Classification Criteria Version 2. Collection method: clinical testing. Allele origin: germline. Affected: yes. Observed: 1 variant allele.
Comment: NDUFS7: BP4, BP7